The following is an entry in ClinVar:

NM_145059.3(FCSK):c.2954G>A (p.Cys985Tyr)

Gene: FCSK (fucose kinase; plus strand). Cytogenetic location: 16q22.1.
Variant type: single nucleotide variant.
Coding change: c.2954G>A on transcript NM_145059.3 (MANE Select); coding-DNA position 2954, G replaced by A.
Protein change: p.Cys985Tyr; replaces cysteine 985 with tyrosine.
Molecular consequence: missense variant.
Genome position (GRCh38, 1-based): chr16:70,479,204, G>A. VCF-style: chr16-70479204-G-A. GRCh37 (hg19) VCF-style: chr16-70513107-G-A.
Other names: c.2954G>A (NM_145059.2); short protein forms C985Y.
Identifiers: ClinVar variation 1948513 (VCV001948513.7), dbSNP rs371789974, ClinGen allele CA8143828.

ClinVar aggregate classification (germline): Conflicting classifications of pathogenicity. Review status: criteria provided, conflicting classifications (1 of 4 stars). 3 submissions from 3 submitters: Uncertain significance (2); Likely benign (1). Last evaluated 2025-10-02.

Allele frequency attached by ClinVar (database versions not stated): gnomAD 0.00001; gnomAD exomes 0.00001; ExAC 0.00002; TOPMed 0.00004; ESP Exome Variant Server 0.00008.
gnomAD v4.1: 19 of 1,613,444 alleles (0.0012%); highest among the groups gnomAD compares: Middle Eastern, 0.017%; no homozygotes.

Submissions (3):

Labcorp Genetics (formerly Invitae), Labcorp
Classification: Uncertain significance. Last evaluated: 2025-10-02. Review status: criteria provided, single submitter. Criteria: Invitae Variant Classification Sherloc (09022015). Collection method: clinical testing. Allele origin: germline.
Comment: This sequence change replaces cysteine, which is neutral and slightly polar, with tyrosine, which is neutral and polar, at codon 985 of the FUK protein (p.Cys985Tyr). This variant is present in population databases (rs371789974, gnomAD 0.003%). This variant has not been reported in the literature in individuals affected with FUK-related conditions. ClinVar contains an entry for this variant (Variation ID: 1948513). An algorithm developed to predict the effect of missense changes on protein structure and function outputs the following: PolyPhen-2: "Benign". The tyrosine amino acid residue is found in multiple mammalian species, which suggests that this missense change does not adversely affect protein function. In summary, the available evidence is currently insufficient to determine the role of this variant in disease. Therefore, it has been classified as a Variant of Uncertain Significance.

Blueprint Genetics
Classification: Uncertain significance. Last evaluated: 2024-03-08. Review status: criteria provided, single submitter. Criteria: ACMG Guidelines, 2015. Collection method: clinical testing. Allele origin: germline.

Ambry Genetics
Classification: Likely benign. Last evaluated: 2023-09-26. Review status: criteria provided, single submitter. Criteria: Ambry Variant Classification Scheme 2023. Collection method: clinical testing. Allele origin: germline.